The following is an entry in ClinVar:

NM_000038.6(APC):c.6757C>G (p.Leu2253Val)

Gene: APC (APC regulator of Wnt signaling pathway; plus strand). Cytogenetic location: 5q22.2.
Variant type: single nucleotide variant.
Coding change: c.6757C>G on transcript NM_000038.6 (MANE Select); coding-DNA position 6757, C replaced by G.
Protein change: p.Leu2253Val; replaces leucine 2253 with valine.
Molecular consequence: missense variant.
Genome position (GRCh38, 1-based): chr5:112,842,351, C>G. VCF-style: chr5-112842351-C-G. GRCh37 (hg19) VCF-style: chr5-112178048-C-G.
Other names: c.6757C>G, p.Leu2253Val (NM_001127510.3, NM_001354895.2); c.6703C>G, p.Leu2235Val (NM_001127511.3); c.6811C>G, p.Leu2271Val (NM_001354896.2); c.6787C>G, p.Leu2263Val (NM_001354897.2); c.6682C>G, p.Leu2228Val (NM_001354898.2); c.6673C>G, p.Leu2225Val (NM_001354899.2); c.6634C>G, p.Leu2212Val (NM_001354900.2); c.6580C>G, p.Leu2194Val (NM_001354901.2); and 5 more; short protein forms L2235V, L2253V, L2127V, L2162V, L2194V, L2228V, L2271V, L1970V.
Identifiers: ClinVar variation 186829 (VCV000186829.6), dbSNP rs786203252, ClinGen allele CA012492.

ClinVar aggregate classification (germline): Uncertain significance (1 of 4 stars; one submission).

Conditions:
Hereditary cancer-predisposing syndrome. Also called: Neoplastic Syndromes, Hereditary; Tumor predisposition; Hereditary Cancer Syndrome; Hereditary neoplastic syndrome. Identifiers: Orphanet 140162, MedGen C0027672, MeSH D009386, MONDO:0015356.

Submission:

Ambry Genetics
Classification: Uncertain significance for Hereditary cancer-predisposing syndrome. Last evaluated: 2025-03-07. Review status: criteria provided, single submitter. Criteria: Ambry Variant Classification Scheme 2023. Collection method: clinical testing. Allele origin: germline.
Comment: The p.L2253V variant (also known as c.6757C>G), located in coding exon 15 of the APC gene, results from a C to G substitution at nucleotide position 6757. The leucine at codon 2253 is replaced by valine, an amino acid with highly similar properties. This amino acid position is well conserved in available vertebrate species. In addition, in silico predictors for this gene do not accurately predict pathogenicity. Missense alterations in APC are not a common cause of disease (Spier I et al. Genet Med. 2024 Feb;26(2):100992). Based on the available evidence, the clinical significance of this variant remains unclear.